The following is an entry in ClinVar:

ClinVar aggregate classification (germline): Uncertain significance. Review status: criteria provided, multiple submitters, no conflicts (2 of 4 stars). 4 submissions from 4 submitters: Uncertain significance (4). Last evaluated 2026-03-01.

Conditions:
SAG-related disorder. Also called: SAG-related condition; SAG-related disorders.

Allele frequency attached by ClinVar (database versions not stated): ESP Exome Variant Server 0.00008; TOPMed 0.00026.
gnomAD v4.1: 312 of 1,611,910 alleles (0.019%); highest among the groups gnomAD compares: Admixed American, 0.12%; no homozygotes.

Submissions (4):

PreventionGenetics, part of Exact Sciences
Classification: Uncertain significance for SAG-related condition. Last evaluated: 2026-03-01. Review status: criteria provided, single submitter. Criteria: ACMG Guidelines, 2015. Collection method: clinical testing. Allele origin: germline.
Comment: The SAG c.74C>T variant is predicted to result in the amino acid substitution p.Ser25Leu. This variant was reported in an individual with visual impairment (Table S12; Diñeiro et al 2020. PubMed ID: 32483926). However, this variant is reported in 0.074% of alleles in individuals of Latino descent in gnomAD, which may be too common to be a primary cause of disease. Although we suspect this variant may be benign, the clinical significance of this variant is uncertain due to the absence of conclusive functional and genetic evidence.

Labcorp Genetics (formerly Invitae), Labcorp
Classification: Uncertain significance. Last evaluated: 2026-01-05. Review status: criteria provided, single submitter. Criteria: Invitae Variant Classification Sherloc (09022015). Collection method: clinical testing. Allele origin: germline.
Comment: This sequence change replaces serine, which is neutral and polar, with leucine, which is neutral and non-polar, at codon 25 of the SAG protein (p.Ser25Leu). This variant is present in population databases (rs374930316, gnomAD 0.07%). This missense change has been observed in individual(s) with blindness (PMID: 32483926). ClinVar contains an entry for this variant (Variation ID: 972665). An algorithm developed to predict the effect of missense changes on protein structure and function (PolyPhen-2) suggests that this variant is likely to be disruptive. In summary, the available evidence is currently insufficient to determine the role of this variant in disease. Therefore, it has been classified as a Variant of Uncertain Significance.

Blueprint Genetics
Classification: Uncertain significance. Last evaluated: 2024-11-05. Review status: criteria provided, single submitter. Criteria: ACMG Guidelines, 2015. Collection method: clinical testing. Allele origin: germline.

Breakthrough Genomics
Classification: Uncertain significance. Review status: criteria provided, single submitter. Criteria: ACMG Guidelines, 2015. Collection method: not provided. Allele origin: germline. Inheritance: Autosomal recessive inheritance. Affected: yes.

Literature cited by the submitters: PubMed 32483926 (cited by Labcorp Genetics (formerly Invitae), Labcorp).

NM_000541.5(SAG):c.74C>T (p.Ser25Leu)

Gene: SAG (S-antigen visual arrestin; plus strand). Cytogenetic location: 2q37.1.
Variant type: single nucleotide variant.
Coding change: c.74C>T on transcript NM_000541.5 (MANE Select); coding-DNA position 74, C replaced by T.
Protein change: p.Ser25Leu; replaces serine 25 with leucine.
Molecular consequence: missense variant.
Genome position (GRCh38, 1-based): chr2:233,309,263, C>T. VCF-style: chr2-233309263-C-T. GRCh37 (hg19) VCF-style: chr2-234217909-C-T.
Other names: short protein forms S25L.
Identifiers: ClinVar variation 972665 (VCV000972665.12), dbSNP rs374930316, ClinGen allele CA2174187.